The following is an entry in ClinVar:

NM_130837.3(OPA1):c.1921C>T (p.Arg641Trp)

Gene: OPA1 (OPA1 mitochondrial dynamin like GTPase; plus strand). Cytogenetic location: 3q29.
Variant type: single nucleotide variant.
Coding change: c.1921C>T on transcript NM_130837.3 (MANE Select); coding-DNA position 1921, C replaced by T.
Protein change: p.Arg641Trp; replaces arginine 641 with tryptophan.
Molecular consequence: missense variant.
Genome position (GRCh38, 1-based): chr3:193,648,120, C>T. VCF-style: chr3-193648120-C-T. GRCh37 (hg19) VCF-style: chr3-193365909-C-T.
Other names: c.1387C>T, p.Arg463Trp (NM_001354663.2); c.1384C>T, p.Arg462Trp (NM_001354664.2); c.1756C>T, p.Arg586Trp (NM_015560.3); c.1648C>T, p.Arg550Trp (NM_130831.3); c.1702C>T, p.Arg568Trp (NM_130832.3); c.1759C>T, p.Arg587Trp (NM_130833.3); c.1810C>T, p.Arg604Trp (NM_130834.3); c.1813C>T, p.Arg605Trp (NM_130835.3); and 1 more; short protein forms R462W, R604W, R463W, R568W, R641W, R550W, R623W, R586W.
Identifiers: ClinVar variation 1909243 (VCV001909243.6), dbSNP rs1465904230, ClinGen allele CA355790731.

ClinVar aggregate classification (germline): Uncertain significance. Review status: criteria provided, multiple submitters, no conflicts (2 of 4 stars). 2 submissions from 2 submitters: Uncertain significance (2). Last evaluated 2025-10-02.

Conditions:
Abortive cerebellar ataxia (BEHRS). Also called: OPTIC ATROPHY, INFANTILE HEREDITARY, WITH NEUROLOGIC ABNORMALITIES; Behr syndrome. Identifiers: Orphanet 1239, MedGen C0221061, MONDO:0008858, OMIM 210000.

Allele frequency attached by ClinVar (database versions not stated): TOPMed below 0.00001.
gnomAD v4.1: 2 of 1,611,458 alleles (0.00012%); highest among the groups gnomAD compares: Non-Finnish European, 0.00017%; no homozygotes.

Submissions (2):

3billion
Classification: Uncertain significance for Abortive cerebellar ataxia. Last evaluated: 2025-10-02. Review status: criteria provided, single submitter. Criteria: ACMG Guidelines, 2015. Collection method: clinical testing. Allele origin: germline. Affected: yes.
Comment: The variant is observed at an extremely low frequency in the gnomAD v4.1.0 dataset (total allele frequency: <0.001%). Predicted Consequence/Location: Missense variant In silico tool predictions suggest damaging effect of the variant on gene or gene product [REVEL: 0.82 (>=0.6, sensitivity 0.68 and specificity 0.92); 3Cnet: 0.85 (> 0.75, sensitivity 0.96 and precision 0.92)]. The variant has been reported as of uncertain significance (ClinVar ID: VCV001909243). Therefore, this variant is classified as VUS according to the recommendation of ACMG/AMP guideline.

Labcorp Genetics (formerly Invitae), Labcorp
Classification: Uncertain significance. Last evaluated: 2024-07-15. Review status: criteria provided, single submitter. Criteria: Invitae Variant Classification Sherloc (09022015). Collection method: clinical testing. Allele origin: germline.
Comment: This sequence change replaces arginine, which is basic and polar, with tryptophan, which is neutral and slightly polar, at codon 586 of the OPA1 protein (p.Arg586Trp). This variant is present in population databases (no rsID available, gnomAD 0.0009%). This variant has not been reported in the literature in individuals affected with OPA1-related conditions. ClinVar contains an entry for this variant (Variation ID: 1909243). Advanced modeling of protein sequence and biophysical properties (such as structural, functional, and spatial information, amino acid conservation, physicochemical variation, residue mobility, and thermodynamic stability) performed at Invitae indicates that this missense variant is expected to disrupt OPA1 protein function with a positive predictive value of 80%. In summary, the available evidence is currently insufficient to determine the role of this variant in disease. Therefore, it has been classified as a Variant of Uncertain Significance.